The following is an entry in ClinVar:

ClinVar aggregate classification (germline): Conflicting classifications of pathogenicity. Review status: criteria provided, conflicting classifications (1 of 4 stars). 2 submissions from 2 submitters: Uncertain significance (1); Likely benign (1). Last evaluated 2025-05-05.

Conditions:
Inborn genetic diseases. Identifiers: MedGen C0950123, MeSH D030342.

Allele frequency attached by ClinVar (database versions not stated): gnomAD 0.00002; TOPMed 0.00003.
gnomAD v4.1: 62 of 1,613,534 alleles (0.0038%); highest among the groups gnomAD compares: Middle Eastern, 0.016%; no homozygotes.

Submissions (2):

Labcorp Genetics (formerly Invitae), Labcorp
Classification: Uncertain significance. Last evaluated: 2025-05-05. Review status: criteria provided, single submitter. Criteria: Invitae Variant Classification Sherloc (09022015). Collection method: clinical testing. Allele origin: germline.
Comment: This sequence change replaces proline, which is neutral and non-polar, with leucine, which is neutral and non-polar, at codon 228 of the COL7A1 protein (p.Pro228Leu). This variant is present in population databases (rs777688853, gnomAD 0.01%). This variant has not been reported in the literature in individuals affected with COL7A1-related conditions. ClinVar contains an entry for this variant (Variation ID: 2161256). An algorithm developed to predict the effect of missense changes on protein structure and function outputs the following: PolyPhen-2: "Not Available". The leucine amino acid residue is found in multiple mammalian species, which suggests that this missense change does not adversely affect protein function. In summary, the available evidence is currently insufficient to determine the role of this variant in disease. Therefore, it has been classified as a Variant of Uncertain Significance.

Ambry Genetics
Classification: Likely benign for Inborn genetic diseases. Last evaluated: 2025-03-07. Review status: criteria provided, single submitter. Criteria: Ambry Variant Classification Scheme 2023. Collection method: clinical testing. Allele origin: germline.

NM_000094.4(COL7A1):c.683C>T (p.Pro228Leu)

Gene: COL7A1 (collagen type VII alpha 1 chain; minus strand). Cytogenetic location: 3p21.31.
Variant type: single nucleotide variant.
Coding change: c.683C>T on transcript NM_000094.4 (MANE Select); coding-DNA position 683, C replaced by T.
Protein change: p.Pro228Leu; replaces proline 228 with leucine.
Molecular consequence: missense variant.
Genome position (GRCh38, 1-based): chr3:48,592,938, G>A on the plus strand (C>T on the coding strand, the complement: COL7A1 is on the minus strand). VCF-style: chr3-48592938-G-A. GRCh37 (hg19) VCF-style: chr3-48630371-G-A.
Other names: short protein forms P228L.
Identifiers: ClinVar variation 2161256 (VCV002161256.3), dbSNP rs777688853, ClinGen allele CA2381468.
Genomic context (GRCh38, chr3:48,592,938, plus strand): 5'-AAGGATTGGCTGCTTGGCTCAGACAGCACCAGGTCTCGTGGAGCAGAGGTCGAGTCATCC[G>A]CTGGGAATGCGGGATCAGGGGATCAGGCAGGAGGATTGGGGTGGGCATGTATGATGCAGA-3'
Protein context (NP_000085.1, residues 218-238): TAGGVPVTRP[Pro228Leu]DDSTSAPRDL